The following is an entry in ClinVar:

NM_001098511.3(KIF2A):c.1043T>C (p.Leu348Ser)

Gene: KIF2A (kinesin family member 2A; plus strand). Cytogenetic location: 5q12.1.
Variant type: single nucleotide variant.
Coding change: c.1043T>C on transcript NM_001098511.3 (MANE Select); coding-DNA position 1043, T replaced by C.
Protein change: p.Leu348Ser; replaces leucine 348 with serine.
Molecular consequence: missense variant.
Genome position (GRCh38, 1-based): chr5:62,362,465, T>C. VCF-style: chr5-62362465-T-C. GRCh37 (hg19) VCF-style: chr5-61658292-T-C.
Other names: c.962T>C, p.Leu321Ser (NM_001243952.2); c.986T>C, p.Leu329Ser (NM_001243953.2); c.1043T>C, p.Leu348Ser (NM_004520.5); short protein forms L321S, L329S, L348S.
Identifiers: ClinVar variation 1719786 (VCV001719786.5), dbSNP rs2531354390, ClinGen allele CA359950665.
Genomic context (GRCh38, chr5:62,362,465, plus strand): 5'-AATATTTGTTGGATCTCAATTTTCTGTATATGAAATTTTTGACAGCTCGAGATGTCTTTT[T>C]AATGCTAAAGAAGCCAAACTATAAGAAGCTAGAACTTCAAGTATATGCAACCTTCTTTGA-3'
Protein context (NP_001091981.1, residues 338-358): IYALAARDVF[Leu348Ser]MLKKPNYKKL

ClinVar aggregate classification (germline): Uncertain significance (1 of 4 stars; one submission).

Submission:

Labcorp Genetics (formerly Invitae), Labcorp
Classification: Uncertain significance. Last evaluated: 2022-09-20. Review status: criteria provided, single submitter. Criteria: Invitae Variant Classification Sherloc (09022015). Collection method: clinical testing. Allele origin: germline.
Comment: This sequence change replaces leucine, which is neutral and non-polar, with serine, which is neutral and polar, at codon 348 of the KIF2A protein (p.Leu348Ser). This variant is not present in population databases (gnomAD no frequency). This variant has not been reported in the literature in individuals affected with KIF2A-related conditions. Algorithms developed to predict the effect of missense changes on protein structure and function (SIFT, PolyPhen-2, Align-GVGD) all suggest that this variant is likely to be tolerated. In summary, the available evidence is currently insufficient to determine the role of this variant in disease. Therefore, it has been classified as a Variant of Uncertain Significance.